The following is an entry in ClinVar:

NM_001127208.3(TET2):c.3609C>G (p.Ser1203Arg)

Genes: TET2 (tet methylcytosine dioxygenase 2; plus strand), TET2-AS1 (TET2 antisense RNA 1; minus strand). Cytogenetic location: 4q24.
Variant type: single nucleotide variant.
Coding change: c.3609C>G on transcript NM_001127208.3 (MANE Select); coding-DNA position 3609, C replaced by G.
Protein change: p.Ser1203Arg; replaces serine 1203 with arginine.
Molecular consequence: missense variant.
Genome position (GRCh38, 1-based): chr4:105,243,584, C>G. VCF-style: chr4-105243584-C-G. GRCh37 (hg19) VCF-style: chr4-106164741-C-G.
Other names: short protein forms S1203R.
Identifiers: ClinVar variation 2192940 (VCV002192940.2), dbSNP rs546830254, ClinGen allele CA3032110.

ClinVar aggregate classification (germline): Uncertain significance (1 of 4 stars; one submission).

Allele frequency attached by ClinVar (database versions not stated): gnomAD 0.00007; gnomAD exomes 0.00009; TOPMed 0.00012; ExAC 0.00035.
gnomAD v4.1: 138 of 1,551,550 alleles (0.0089%); highest among the groups gnomAD compares: Middle Eastern, 0.5%; 1 homozygote.

Submission:

Labcorp Genetics (formerly Invitae), Labcorp
Classification: Uncertain significance. Last evaluated: 2024-12-11. Review status: criteria provided, single submitter. Criteria: Invitae Variant Classification Sherloc (09022015). Collection method: clinical testing. Allele origin: germline.
Comment: This sequence change replaces serine, which is neutral and polar, with arginine, which is basic and polar, at codon 1203 of the TET2 protein (p.Ser1203Arg). This variant is present in population databases (rs546830254, gnomAD 0.03%). This variant has not been reported in the literature in individuals affected with TET2-related conditions. ClinVar contains an entry for this variant (Variation ID: 2192940). An algorithm developed to predict the effect of missense changes on protein structure and function (PolyPhen-2) suggests that this variant is likely to be disruptive. In summary, the available evidence is currently insufficient to determine the role of this variant in disease. Therefore, it has been classified as a Variant of Uncertain Significance.